The following is an entry in ClinVar:

ClinVar aggregate classification (germline): Likely benign. Review status: criteria provided, multiple submitters, no conflicts (2 of 4 stars). 4 submissions from 4 submitters: Likely benign (4). Last evaluated 2023-09-17.

Conditions:
Malignant hyperthermia, susceptibility to, 1 (MHS1). Also called: Anesthesia related hyperthermia; Malignant hyperpyrexia; Fulminating hyperpyrexia; Pharmacogenic myopathy; RYR1-Related Malignant Hyperthermia Susceptibility; Malignant hyperthermia suceptibility 1. Identifiers: Orphanet 423, MedGen C2930980, MONDO:0007783, OMIM 145600.
RYR1-related disorder. Also called: RYR1-related condition; RYR1-related disorders. Identifiers: MedGen CN239331.

Allele frequency attached by ClinVar (database versions not stated): gnomAD exomes below 0.00001 and 0.00001; ExAC 0.00001.
gnomAD v4.1: 9 of 1,613,694 alleles (0.00056%); highest among the groups gnomAD compares: Non-Finnish European, 0.00076%; no homozygotes.

Submissions (4):

All of Us Research Program, National Institutes of Health
Classification: Likely benign for Malignant hyperthermia, susceptibility to, 1. Last evaluated: 2023-09-17. Review status: criteria provided, single submitter. Criteria: ACMG Guidelines, 2015. Collection method: clinical testing. Allele origin: germline. Inheritance: Autosomal dominant inheritance. Observed: 2 variant alleles, 2 heterozygotes.
Comment: This study involves interpretation of variants in research participants for the purpose of population health screening. Participant phenotype was not available at the time of variant classification. Additional details can be found in publication PMID: 35346344, PMCID: PMC8962531

Labcorp Genetics (formerly Invitae), Labcorp
Classification: Likely benign for RYR1-related disorder. Last evaluated: 2022-08-10. Review status: criteria provided, single submitter. Criteria: Invitae Variant Classification Sherloc (09022015). Collection method: clinical testing. Allele origin: germline.

Blueprint Genetics
Classification: Likely benign. Last evaluated: 2022-06-15. Review status: criteria provided, single submitter. Criteria: ACMG Guidelines, 2015. Collection method: clinical testing. Allele origin: germline.

GeneDx
Classification: Likely benign. Last evaluated: 2018-12-05. Review status: criteria provided, single submitter. Criteria: GeneDx Variant Classification Process June 2021. Collection method: clinical testing. Allele origin: germline. Affected: yes.

NM_000540.3(RYR1):c.6561C>T (p.Asn2187=)

Gene: RYR1 (ryanodine receptor 1; plus strand). Cytogenetic location: 19q13.2.
Variant type: single nucleotide variant.
Coding change: c.6561C>T on transcript NM_000540.3 (MANE Select); coding-DNA position 6561, C replaced by T.
Protein change: p.Asn2187=; no amino-acid change (asparagine 2187 retained).
Molecular consequence: synonymous variant.
Genome position (GRCh38, 1-based): chr19:38,496,227, C>T. VCF-style: chr19-38496227-C-T. GRCh37 (hg19) VCF-style: chr19-38986867-C-T.
Other names: c.6561C>T, p.Asn2187= (NM_001042723.2).
Identifiers: ClinVar variation 387885 (VCV000387885.14), dbSNP rs780599614, ClinGen allele CA068429.